The following is an entry in ClinVar:

ClinVar aggregate classification (germline): Pathogenic. Review status: criteria provided, single submitter (1 of 4 stars). 2 submissions from 2 submitters: Pathogenic (1). 1 of the submissions does not count toward it.

Conditions:
Female infertility due to zona pellucida defect (OZEMA1). Also called: Oocyte maturation defect 1; OOCYTE/ZYGOTE/EMBRYO MATURATION ARREST 1. Identifiers: Orphanet 404466, MedGen C4014291, MONDO:0014342, OMIM 615774.
ZP1-related disorder. Also called: ZP1-related condition.

Submissions (2):

Juno Genomics, Hangzhou Juno Genomics, Inc
Classification: Pathogenic for Female infertility due to zona pellucida defect. Review status: criteria provided, single submitter. Criteria: ACMG Guidelines, 2015. Collection method: clinical testing. Allele origin: germline. Affected: yes.
Comment: Absent from controls (or at extremely low frequency if recessive) in Genome Aggregation Database, Exome Sequencing Project, 1000 Genomes Project, or Exome Aggregation Consortium.;Null variant in a gene where loss of function (LOF) is a known mechanism of disease.;For recessive disorders, detected in trans with a pathogenic variant.;Patient's phenotype or family history is highly specific for a disease with a single genetic etiology.

PreventionGenetics, part of Exact Sciences
Classification: Likely pathogenic for ZP1-related condition. Last evaluated: 2024-03-06. Review status: no assertion criteria provided. Collection method: clinical testing. Allele origin: germline. Not counted in ClinVar's aggregate classification.
Comment: The ZP1 c.670C>T variant is predicted to result in premature protein termination (p.Arg224*). To our knowledge, this variant has not been reported in the literature. This variant is reported in 0.0041% of alleles in individuals of African descent in gnomAD. Nonsense variants in ZP1 are expected to be pathogenic. This variant is interpreted as likely pathogenic.

NM_207341.4(ZP1):c.670C>T (p.Arg224Ter)

Gene: ZP1 (zona pellucida glycoprotein 1; plus strand). Cytogenetic location: 11q12.2.
Variant type: single nucleotide variant.
Coding change: c.670C>T on transcript NM_207341.4 (MANE Select); coding-DNA position 670, C replaced by T.
Protein change: p.Arg224Ter; replaces arginine 224 with a stop codon.
Molecular consequence: nonsense.
Genome position (GRCh38, 1-based): chr11:60,869,888, C>T. VCF-style: chr11-60869888-C-T. GRCh37 (hg19) VCF-style: chr11-60637361-C-T.
Other names: short protein forms R224*.
Identifiers: ClinVar variation 3353935 (VCV003353935.3).